The following is an entry in ClinVar:

NM_001611.5(ACP5):c.136del (p.Arg46fs)

Gene: ACP5 (acid phosphatase 5, tartrate resistant; minus strand). Cytogenetic location: 19p13.2.
Variant type: Deletion.
Coding change: c.136del on transcript NM_001611.5 (MANE Select); coding-DNA position 136, one base deleted (C; older notation c.136delC).
Protein change: p.Arg46fs; shifts the reading frame from arginine 46.
Molecular consequence: frameshift variant.
Genome position (GRCh38, 1-based): chr19:11,577,182, G deleted on the plus strand (C on the coding strand, the reverse complement: ACP5 is on the minus strand); the first of 3 consecutive G bases (chr19:11,577,182-11,577,184); deleting any one gives the same sequence. VCF-style (leftmost placement, unchanged base first): chr19-11577181-CG-C. GRCh37 (hg19) VCF-style: chr19-11687996-CG-C.
Other names: c.136del, p.Arg46fs (NM_001111034.3, NM_001111035.3, NM_001111036.3 and 1 more transcripts); short protein forms R46fs.
Identifiers: ClinVar variation 1437995 (VCV001437995.6), dbSNP rs2145093044, ClinGen allele CA2573156054.

ClinVar aggregate classification (germline): Pathogenic (1 of 4 stars; one submission).

Conditions:
Spondyloenchondrodysplasia with immune dysregulation (SPENCDI). Also called: COMBINED IMMUNODEFICIENCY WITH AUTOIMMUNITY AND SPONDYLOMETAPHYSEAL DYSPLASIA; ROIFMAN IMMUNOSKELETAL SYNDROME; SPONDYLOENCHONDRODYSPLASIA WITH OR WITHOUT IMMUNE DYSREGULATION. Identifiers: Orphanet 1855, MedGen C1842763, MONDO:0011939, OMIM 607944.

Submission:

Labcorp Genetics (formerly Invitae), Labcorp
Classification: Pathogenic for Spondyloenchondrodysplasia with immune dysregulation. Last evaluated: 2024-07-13. Review status: criteria provided, single submitter. Criteria: Invitae Variant Classification Sherloc (09022015). Collection method: clinical testing. Allele origin: germline.
Comment: This sequence change creates a premature translational stop signal (p.Arg46Glyfs*24) in the ACP5 gene. It is expected to result in an absent or disrupted protein product. Loss-of-function variants in ACP5 are known to be pathogenic (PMID: 21217752, 21217755). This variant is not present in population databases (gnomAD no frequency). This variant has not been reported in the literature in individuals affected with ACP5-related conditions. ClinVar contains an entry for this variant (Variation ID: 1437995). For these reasons, this variant has been classified as Pathogenic.

Literature cited by the submitters: PubMed 21217752; PubMed 21217755.